The following is an entry in ClinVar:

NM_033026.6(PCLO):c.1561C>A (p.Pro521Thr)

Gene: PCLO (piccolo presynaptic cytomatrix protein; minus strand). Cytogenetic location: 7q21.11.
Variant type: single nucleotide variant.
Coding change: c.1561C>A on transcript NM_033026.6 (MANE Select); coding-DNA position 1561, C replaced by A.
Protein change: p.Pro521Thr; replaces proline 521 with threonine.
Molecular consequence: missense variant.
Genome position (GRCh38, 1-based): chr7:83,155,080, G>T on the plus strand (C>A on the coding strand, the complement: PCLO is on the minus strand). VCF-style: chr7-83155080-G-T. GRCh37 (hg19) VCF-style: chr7-82784396-G-T.
Other names: c.1561C>A, p.Pro521Thr (NM_014510.3); short protein forms P521T.
Identifiers: ClinVar variation 1504921 (VCV001504921.6), dbSNP rs375050419, ClinGen allele CA4321419.

ClinVar aggregate classification (germline): Uncertain significance (1 of 4 stars; one submission).

Allele frequency attached by ClinVar (database versions not stated): ESP Exome Variant Server 0.00008.
gnomAD v4.1: 144 of 1,604,564 alleles (0.009%); highest among the groups gnomAD compares: Non-Finnish European, 0.012%; no homozygotes.

Submission:

Labcorp Genetics (formerly Invitae), Labcorp
Classification: Uncertain significance. Last evaluated: 2025-10-07. Review status: criteria provided, single submitter. Criteria: Invitae Variant Classification Sherloc (09022015). Collection method: clinical testing. Allele origin: germline.
Comment: This sequence change replaces proline, which is neutral and non-polar, with threonine, which is neutral and polar, at codon 521 of the PCLO protein (p.Pro521Thr). This variant is present in population databases (rs375050419, gnomAD 0.009%). This variant has not been reported in the literature in individuals affected with PCLO-related conditions. ClinVar contains an entry for this variant (Variation ID: 1504921). An algorithm developed to predict the effect of missense changes on protein structure and function outputs the following: PolyPhen-2: "Possibly Damaging". The threonine amino acid residue is found in multiple mammalian species, which suggests that this missense change does not adversely affect protein function. In summary, the available evidence is currently insufficient to determine the role of this variant in disease. Therefore, it has been classified as a Variant of Uncertain Significance.